The following is an entry in ClinVar:

ClinVar aggregate classification (germline): Uncertain significance. Review status: criteria provided, multiple submitters, no conflicts (2 of 4 stars). 2 submissions from 2 submitters: Uncertain significance (2). Last evaluated 2024-06-16.

gnomAD v4.1: 55 of 1,613,920 alleles (0.0034%); highest among the groups gnomAD compares: African/African-American, 0.0053%; no homozygotes.

Submissions (2):

Ambry Genetics
Classification: Uncertain significance. Last evaluated: 2024-06-16. Review status: criteria provided, single submitter. Criteria: Ambry Variant Classification Scheme 2023. Collection method: clinical testing. Allele origin: germline.

Labcorp Genetics (formerly Invitae), Labcorp
Classification: Uncertain significance. Last evaluated: 2023-08-29. Review status: criteria provided, single submitter. Criteria: Invitae Variant Classification Sherloc (09022015). Collection method: clinical testing. Allele origin: germline.
Comment: In summary, the available evidence is currently insufficient to determine the role of this variant in disease. Therefore, it has been classified as a Variant of Uncertain Significance. An algorithm developed to predict the effect of missense changes on protein structure and function (PolyPhen-2) suggests that this variant is likely to be tolerated. ClinVar contains an entry for this variant (Variation ID: 1982625). This variant has not been reported in the literature in individuals affected with DNAJC17-related conditions. This variant is present in population databases (rs749785446, gnomAD 0.007%). This sequence change replaces arginine, which is basic and polar, with leucine, which is neutral and non-polar, at codon 151 of the DNAJC17 protein (p.Arg151Leu).

NM_018163.3(DNAJC17):c.452G>T (p.Arg151Leu)

Gene: DNAJC17 (DnaJ heat shock protein family (Hsp40) member C17; minus strand). Cytogenetic location: 15q15.1.
Variant type: single nucleotide variant.
Coding change: c.452G>T on transcript NM_018163.3 (MANE Select); coding-DNA position 452, G replaced by T.
Protein change: p.Arg151Leu; replaces arginine 151 with leucine.
Molecular consequence: missense variant.
Genome position (GRCh38, 1-based): chr15:40,776,222, C>A on the plus strand (G>T on the coding strand, the complement: DNAJC17 is on the minus strand). VCF-style: chr15-40776222-C-A. GRCh37 (hg19) VCF-style: chr15-41068420-C-A.
Other names: c.452G>T (NM_018163.2); short protein forms R151L.
Identifiers: ClinVar variation 1982625 (VCV001982625.5), dbSNP rs749785446, ClinGen allele CA7485148.